The following is an entry in ClinVar:

NM_014845.6(FIG4):c.837dup (p.Ala280fs)

Gene: FIG4 (FIG4 phosphoinositide 5-phosphatase; plus strand). Cytogenetic location: 6q21.
Variant type: Duplication.
Coding change: c.837dup on transcript NM_014845.6 (MANE Select); coding-DNA position 837, one base duplicated (T; older notation c.837dupT).
Protein change: p.Ala280fs; shifts the reading frame from alanine 280.
Molecular consequence: frameshift variant.
Genome position (GRCh38, 1-based): chr6:109,741,505, T duplicated; the last of 3 consecutive T bases (chr6:109,741,503-109,741,505); duplicating any one gives the same sequence. VCF-style (leftmost placement, unchanged base first): chr6-109741502-A-AT. GRCh37 (hg19) VCF-style: chr6-110062705-A-AT.
Other names: short protein forms A280fs.
Identifiers: ClinVar variation 1711637 (VCV001711637.30), dbSNP rs2486132701, ClinGen allele CA2578712997.

ClinVar aggregate classification (germline): Likely pathogenic (1 of 4 stars; one submission).

Submission:

CeGaT Center for Human Genetics Tuebingen
Classification: Likely pathogenic. Last evaluated: 2022-08-01. Review status: criteria provided, single submitter. Criteria: CeGaT Center For Human Genetics Tuebingen Variant Classification Criteria Version 2. Collection method: clinical testing. Allele origin: germline. Affected: yes. Observed: 1 variant allele.
Comment: FIG4: PVS1:Strong, PM2, PM3:Supporting, PP4